The following is an entry in ClinVar:

NM_206933.4(USH2A):c.7100G>A (p.Gly2367Glu)

Gene: USH2A (usherin; minus strand). Cytogenetic location: 1q41.
Variant type: single nucleotide variant.
Coding change: c.7100G>A on transcript NM_206933.4 (MANE Select); coding-DNA position 7100, G replaced by A.
Protein change: p.Gly2367Glu; replaces glycine 2367 with glutamic acid.
Molecular consequence: missense variant.
Genome position (GRCh38, 1-based): chr1:215,965,337, C>T on the plus strand (G>A on the coding strand, the complement: USH2A is on the minus strand). VCF-style: chr1-215965337-C-T. GRCh37 (hg19) VCF-style: chr1-216138679-C-T.
Other names: short protein forms G2367E.
Identifiers: ClinVar variation 1326780 (VCV001326780.7), dbSNP rs1017425051, ClinGen allele CA37450064.

ClinVar aggregate classification (germline): Uncertain significance. Review status: criteria provided, multiple submitters, no conflicts (2 of 4 stars). 6 submissions from 5 submitters: Uncertain significance (6). Last evaluated 2024-04-07.

Conditions:
Retinitis pigmentosa 39 (RP39). Identifiers: Orphanet 791, MedGen C3151138, MONDO:0013436, OMIM 613809.
Usher syndrome type 2A. Also called: RETINAL DISEASE IN USHER SYNDROME TYPE IIA, MODIFIER OF; USHER SYNDROME, TYPE IIA. Identifiers: Orphanet 231178, Orphanet 886, MedGen C1848634, MONDO:0010169, OMIM 276901.

Allele frequency attached by ClinVar (database versions not stated): TOPMed 0.00002.
gnomAD v4.1: 1 of 1,613,414 alleles (0.000062%); highest among the groups gnomAD compares: African/African-American, 0.0013%; no homozygotes.

Submissions (6):

Labcorp Genetics (formerly Invitae), Labcorp
Classification: Uncertain significance. Last evaluated: 2024-04-07. Review status: criteria provided, single submitter. Criteria: Invitae Variant Classification Sherloc (09022015). Collection method: clinical testing. Allele origin: germline.
Comment: This sequence change replaces glycine, which is neutral and non-polar, with glutamic acid, which is acidic and polar, at codon 2367 of the USH2A protein (p.Gly2367Glu). This variant is not present in population databases (gnomAD no frequency). This missense change has been observed in individual(s) with retinitis pigmentosa (PMID: 30948794). ClinVar contains an entry for this variant (Variation ID: 1326780). Advanced modeling of protein sequence and biophysical properties (such as structural, functional, and spatial information, amino acid conservation, physicochemical variation, residue mobility, and thermodynamic stability) has been performed at Invitae for this missense variant, however the output from this modeling did not meet the statistical confidence thresholds required to predict the impact of this variant on USH2A protein function. In summary, the available evidence is currently insufficient to determine the role of this variant in disease. Therefore, it has been classified as a Variant of Uncertain Significance.

Genome-Nilou Lab
Classification: Uncertain significance for Retinitis pigmentosa 39. Last evaluated: 2023-11-04. Review status: criteria provided, single submitter. Criteria: ACMG Guidelines, 2015. Collection method: clinical testing. Allele origin: germline. Affected: no.

Genome-Nilou Lab
Classification: Uncertain significance for Usher syndrome type 2A. Last evaluated: 2023-11-04. Review status: criteria provided, single submitter. Criteria: ACMG Guidelines, 2015. Collection method: clinical testing. Allele origin: germline. Affected: no.

Fulgent Genetics
Classification: Uncertain significance for Usher syndrome type 2A; Retinitis pigmentosa 39. Last evaluated: 2022-05-24. Review status: criteria provided, single submitter. Criteria: ACMG Guidelines, 2015. Collection method: clinical testing. Allele origin: unknown.

Blueprint Genetics
Classification: Uncertain significance. Last evaluated: 2021-12-02. Review status: criteria provided, single submitter. Criteria: ACMG Guidelines, 2015. Collection method: clinical testing. Allele origin: germline.

GeneDx
Classification: Uncertain significance. Last evaluated: 2021-05-19. Review status: criteria provided, single submitter. Criteria: GeneDx Variant Classification Process June 2021. Collection method: clinical testing. Allele origin: germline. Affected: yes.
Comment: Observed in a patient with retinitis pigmentosa in published literature; however, additional information is not available (Ng TK et al., 2019); Not observed at significant frequency in large population cohorts (Lek et al., 2016); In silico analysis supports that this missense variant has a deleterious effect on protein structure/function; This variant is associated with the following publications: (PMID: 30948794)

Literature cited by the submitters: PubMed 30948794 (cited by Labcorp Genetics (formerly Invitae), Labcorp).